The following is an entry in ClinVar:

NM_198253.3(TERT):c.3226C>G (p.Gln1076Glu)

Gene: TERT (telomerase reverse transcriptase; minus strand). Cytogenetic location: 5p15.33.
Variant type: single nucleotide variant.
Coding change: c.3226C>G on transcript NM_198253.3 (MANE Select); coding-DNA position 3226, C replaced by G.
Protein change: p.Gln1076Glu; replaces glutamine 1076 with glutamic acid.
Molecular consequence: missense variant. On other transcripts: non-coding transcript variant (2).
Genome position (GRCh38, 1-based): chr5:1,254,437, G>C on the plus strand (C>G on the coding strand, the complement: TERT is on the minus strand). VCF-style: chr5-1254437-G-C. GRCh37 (hg19) VCF-style: chr5-1254552-G-C.
Other names: c.3037C>G, p.Gln1013Glu (NM_001193376.3); c.3226C>G, p.Gln1076Glu (NM_003219.1); short protein forms Q1013E, Q1076E.
Identifiers: ClinVar variation 2940267 (VCV002940267.4), dbSNP rs2478073894, ClinGen allele CA359067343.
Genomic context (GRCh38, chr5:1,254,437, plus strand): 5'-GTGACCCCAGGAGTGGCACGTAGGTGACACGGTGTCGAGTCAGCTTGAGCAGGAATGCTT[G>C]GTGGCACAGCCACTGCACGGCCTCGGAGGGCAGAGGGCCGGCGGCGCCCTTGGCCCCCAG-3'
Protein context (NP_937983.2, residues 1066-1086): PSEAVQWLCH[Gln1076Glu]AFLLKLTRHR

ClinVar aggregate classification (germline): Uncertain significance. Review status: criteria provided, multiple submitters, no conflicts (2 of 4 stars). 2 submissions from 2 submitters: Uncertain significance (2). Last evaluated 2024-11-15.

Conditions:
Idiopathic Pulmonary Fibrosis. Also called: Idiopathic fibrosing alveolitis, chronic form; idiopathic fibrosing alveolitis. Identifiers: Orphanet 2032, MedGen C1800706, MeSH D054990, MONDO:0800504.
Dyskeratosis congenita, autosomal dominant 2. Identifiers: MedGen C3151443, MONDO:0013521, OMIM 613989.
Dyskeratosis congenita. Identifiers: Orphanet 1775, MedGen C0265965, MONDO:0015780.

Submissions (2):

Ambry Genetics
Classification: Uncertain significance for Dyskeratosis congenita. Last evaluated: 2024-11-15. Review status: criteria provided, single submitter. Criteria: Ambry Variant Classification Scheme 2023. Collection method: clinical testing. Allele origin: germline.
Comment: The p.Q1076E variant (also known as c.3226C>G), located in coding exon 15 of the TERT gene, results from a C to G substitution at nucleotide position 3226. The glutamine at codon 1076 is replaced by glutamic acid, an amino acid with highly similar properties. This amino acid position is conserved. In addition, this alteration is predicted to be tolerated by in silico analysis. Based on the available evidence, the clinical significance of this variant remains unclear.

Labcorp Genetics (formerly Invitae), Labcorp
Classification: Uncertain significance for Dyskeratosis congenita, autosomal dominant 2; Idiopathic Pulmonary Fibrosis. Last evaluated: 2023-02-15. Review status: criteria provided, single submitter. Criteria: Invitae Variant Classification Sherloc (09022015). Collection method: clinical testing. Allele origin: germline.
Comment: Advanced modeling of protein sequence and biophysical properties (such as structural, functional, and spatial information, amino acid conservation, physicochemical variation, residue mobility, and thermodynamic stability) has been performed at Invitae for this missense variant, however the output from this modeling did not meet the statistical confidence thresholds required to predict the impact of this variant on TERT protein function. In summary, the available evidence is currently insufficient to determine the role of this variant in disease. Therefore, it has been classified as a Variant of Uncertain Significance. This variant has not been reported in the literature in individuals affected with TERT-related conditions. This sequence change replaces glutamine, which is neutral and polar, with glutamic acid, which is acidic and polar, at codon 1076 of the TERT protein (p.Gln1076Glu). This variant is not present in population databases (gnomAD no frequency).